The following is an entry in ClinVar:

ClinVar aggregate classification (germline): Likely benign (1 of 4 stars; one submission).

Allele frequency attached by ClinVar (database versions not stated): 1000 Genomes Project 30x 0.00265; gnomAD 0.00312; 1000 Genomes Project 0.00319; ESP Exome Variant Server 0.00346; gnomAD exomes 0.00413; ExAC 0.00449; TOPMed 0.00226.
gnomAD v4.1: 6,506 of 1,614,076 alleles (0.4%); highest among the groups gnomAD compares: South Asian, 0.51%; 30 homozygotes.

Submission:

CeGaT Center for Human Genetics Tuebingen
Classification: Likely benign. Last evaluated: 2026-09-01. Review status: criteria provided, single submitter. Criteria: CeGaT Center For Human Genetics Tuebingen Variant Classification Criteria Version 2. Collection method: clinical testing. Allele origin: germline. Affected: yes. Observed: 3 variant alleles.
Comment: ATXN1: BP4, BP7, BS2

NM_001128164.2(ATXN1):c.1695G>A (p.Ala565=)

Gene: ATXN1 (ataxin 1; minus strand). Cytogenetic location: 6p22.3.
Variant type: single nucleotide variant.
Coding change: c.1695G>A on transcript NM_001128164.2 (MANE Select); coding-DNA position 1695, G replaced by A.
Protein change: p.Ala565=; no amino-acid change (alanine 565 retained).
Molecular consequence: synonymous variant. On other transcripts: 3 prime UTR variant (1).
Genome position (GRCh38, 1-based): chr6:16,326,616, C>T on the plus strand (G>A on the coding strand, the complement: ATXN1 is on the minus strand). VCF-style: chr6-16326616-C-T. GRCh37 (hg19) VCF-style: chr6-16326847-C-T.
Other names: c.1695G>A, p.Ala565= (NM_000332.4); c.*1108G>A (NM_001357857.2).
Identifiers: ClinVar variation 2656248 (VCV002656248.24), dbSNP rs146373716, ClinGen allele CA3645273.